The following is an entry in ClinVar:

NM_201384.3(PLEC):c.12466G>A (p.Glu4156Lys)

Gene: PLEC (plectin; minus strand). Cytogenetic location: 8q24.3.
Variant type: single nucleotide variant.
Coding change: c.12466G>A on transcript NM_201384.3 (MANE Select); coding-DNA position 12466, G replaced by A.
Protein change: p.Glu4156Lys; replaces glutamic acid 4156 with lysine.
Molecular consequence: missense variant.
Genome position (GRCh38, 1-based): chr8:143,917,355, C>T on the plus strand (G>A on the coding strand, the complement: PLEC is on the minus strand). VCF-style: chr8-143917355-C-T. GRCh37 (hg19) VCF-style: chr8-144991523-C-T.
Other names: c.12547G>A (NM_000445.3); c.12547G>A, p.Glu4183Lys (NM_000445.5); c.12424G>A, p.Glu4142Lys (NM_201378.4); c.12400G>A, p.Glu4134Lys (NM_201379.3); c.12877G>A, p.Glu4293Lys (NM_201380.4); c.12370G>A, p.Glu4124Lys (NM_201381.3); c.12466G>A, p.Glu4156Lys (NM_201382.4); c.12478G>A, p.Glu4160Lys (NM_201383.3); short protein forms E4293K, E4142K, E4156K, E4134K, E4160K, E4183K, E4124K.
Identifiers: ClinVar variation 478547 (VCV000478547.11), dbSNP rs781855093, ClinGen allele CA4924077.
Genomic context (GRCh38, chr8:143,917,355, plus strand): 5'-ACTCCTGCTCGGACAGCTCCAGGTACGTCTGGTGGTCAATCAGGCCCTTGCGGTAGGCCT[C>T]GTACACTGACATCTCCTTGCCCGTCTCGGGGTCCACGATGACCACTCGGCGCTTGCGCAC-3'
Protein context (NP_958786.1, residues 4146-4166): PETGKEMSVY[Glu4156Lys]AYRKGLIDHQ

ClinVar aggregate classification (germline): Uncertain significance. Review status: criteria provided, multiple submitters, no conflicts (2 of 4 stars). 2 submissions from 2 submitters: Uncertain significance (2). Last evaluated 2025-04-03.

Conditions:
Epidermolysis bullosa simplex with nail dystrophy (EBS5D). Identifiers: MedGen C4225309, MONDO:0014661, OMIM 616487.
Epidermolysis bullosa simplex, Ogna type (EBS5A). Also called: Pidermolysis bullosa simplex 5A, Ogna type; EPIDERMOLYSIS BULLOSA SIMPLEX 5A, OGNA TYPE. Identifiers: Orphanet 79401, MedGen C0432317, MONDO:0007555, OMIM 131950.
Autosomal recessive limb-girdle muscular dystrophy type 2Q (LGMDR17). Also called: MUSCULAR DYSTROPHY, LIMB-GIRDLE, AUTOSOMAL RECESSIVE 17. Identifiers: Orphanet 254361, MedGen C3150989, MONDO:0013390, OMIM 613723.
Epidermolysis bullosa simplex 5C, with pyloric atresia (EBS5C). Also called: PLEC-Related Epidermolysis Bullosa with Pyloric Atresia; Epidermolysis bullosa simplex with pyloric atresia; PLEC1-Related Epidermolysis Bullosa with Pyloric Atresia. Identifiers: Orphanet 158684, MedGen C2677349, MONDO:0012807, OMIM 612138.
Epidermolysis bullosa simplex 5B, with muscular dystrophy (EBS5B). Also called: EPIDERMOLYSIS BULLOSA SIMPLEX AND LIMB-GIRDLE MUSCULAR DYSTROPHY; Epidermolysis bullosa simplex with muscular dystrophy. Identifiers: Orphanet 257, MedGen C2931072, MONDO:0009181, OMIM 226670.
Inborn genetic diseases. Identifiers: MedGen C0950123, MeSH D030342.

Allele frequency attached by ClinVar (database versions not stated): gnomAD 0.00001 and 0.00002; TOPMed 0.00001; ExAC 0.00002; gnomAD exomes 0.00002 and 0.00005.
gnomAD v4.1: 75 of 1,610,276 alleles (0.0047%); highest among the groups gnomAD compares: Non-Finnish European, 0.0058%; no homozygotes.

Submissions (2):

Ambry Genetics
Classification: Uncertain significance for Inborn genetic diseases. Last evaluated: 2025-04-03. Review status: criteria provided, single submitter. Criteria: Ambry Variant Classification Scheme 2023. Collection method: clinical testing. Allele origin: germline.

Labcorp Genetics (formerly Invitae), Labcorp
Classification: Uncertain significance for Autosomal recessive limb-girdle muscular dystrophy type 2Q; Epidermolysis bullosa simplex, Ogna type; Epidermolysis bullosa simplex with nail dystrophy; Epidermolysis bullosa simplex 5C, with pyloric atresia; Epidermolysis bullosa simplex 5B, with muscular dystrophy. Last evaluated: 2024-10-18. Review status: criteria provided, single submitter. Criteria: Invitae Variant Classification Sherloc (09022015). Collection method: clinical testing. Allele origin: germline.
Comment: This sequence change replaces glutamic acid, which is acidic and polar, with lysine, which is basic and polar, at codon 4183 of the PLEC protein (p.Glu4183Lys). This variant is present in population databases (rs781855093, gnomAD 0.005%). This variant has not been reported in the literature in individuals affected with PLEC-related conditions. ClinVar contains an entry for this variant (Variation ID: 478547). Invitae Evidence Modeling of protein sequence and biophysical properties (such as structural, functional, and spatial information, amino acid conservation, physicochemical variation, residue mobility, and thermodynamic stability) indicates that this missense variant is not expected to disrupt PLEC protein function with a negative predictive value of 80%. In summary, the available evidence is currently insufficient to determine the role of this variant in disease. Therefore, it has been classified as a Variant of Uncertain Significance.